The following is an entry in ClinVar:

NM_015275.3(WASHC4):c.1892A>G (p.His631Arg)

Gene: WASHC4 (WASH complex subunit 4; plus strand). Cytogenetic location: 12q23.3.
Variant type: single nucleotide variant.
Coding change: c.1892A>G on transcript NM_015275.3 (MANE Select); coding-DNA position 1892, A replaced by G.
Protein change: p.His631Arg; replaces histidine 631 with arginine.
Molecular consequence: missense variant.
Genome position (GRCh38, 1-based): chr12:105,142,557, A>G. VCF-style: chr12-105142557-A-G. GRCh37 (hg19) VCF-style: chr12-105536335-A-G.
Other names: c.1895A>G, p.His632Arg (NM_001293640.2); short protein forms H631R, H632R.
Identifiers: ClinVar variation 3252492 (VCV003252492.1), dbSNP rs188956992.

ClinVar aggregate classification (germline): Uncertain significance (1 of 4 stars; one submission).

Allele frequency attached by ClinVar (database versions not stated): gnomAD exomes below 0.00001.
gnomAD v4.1: 5 of 1,473,964 alleles (0.00034%); highest among the groups gnomAD compares: Admixed American, 0.0033%; no homozygotes.

Submission:

GeneDx
Classification: Uncertain significance. Last evaluated: 2023-10-09. Review status: criteria provided, single submitter. Criteria: GeneDx Variant Classification Process June 2021. Collection method: clinical testing. Allele origin: germline. Affected: yes.
Comment: In silico analysis supports that this missense variant has a deleterious effect on protein structure/function; Has not been previously published as pathogenic or benign to our knowledge